The following is an entry in ClinVar:

ClinVar aggregate classification (germline): Likely benign (1 of 4 stars; one submission).

Conditions:
PLXNA2-related disorder. Also called: PLXNA2-related condition.

gnomAD v4.1: 6 of 1,611,968 alleles (0.00037%); highest among the groups gnomAD compares: Admixed American, 0.0017%; no homozygotes.

Submission:

PreventionGenetics, part of Exact Sciences
Classification: Likely benign for PLXNA2-related condition. Last evaluated: 2026-06-24. Review status: criteria provided, single submitter. Criteria: ACMG Guidelines, 2015. Collection method: clinical testing. Allele origin: germline.
Comment: This variant is classified as likely benign based on ACMG/AMP sequence variant interpretation guidelines (Richards et al. 2015 PMID: 25741868, with internal and published modifications).

NM_025179.4(PLXNA2):c.2395+6C>T

Gene: PLXNA2 (plexin A2; minus strand). Cytogenetic location: 1q32.2.
Variant type: single nucleotide variant.
Coding change: c.2395+6C>T on transcript NM_025179.4 (MANE Select); 6 bases into the intron after coding-DNA position 2395, C replaced by T.
Molecular consequence: intron variant.
Genome position (GRCh38, 1-based): chr1:208,082,406, G>A on the plus strand (C>T on the coding strand, the complement: PLXNA2 is on the minus strand). VCF-style: chr1-208082406-G-A. GRCh37 (hg19) VCF-style: chr1-208255751-G-A.
Identifiers: ClinVar variation 4983652 (VCV004983652.1).